The following is an entry in ClinVar:

ClinVar aggregate classification (germline): Uncertain significance (1 of 4 stars; one submission).

Allele frequency attached by ClinVar (database versions not stated): gnomAD exomes below 0.00001; ExAC 0.00002; gnomAD 0.00003; TOPMed 0.00007; 1000 Genomes Project 30x 0.00016; 1000 Genomes Project 0.00020.
gnomAD v4.1: 10 of 1,614,130 alleles (0.00062%); highest among the groups gnomAD compares: African/African-American, 0.0093%; no homozygotes.

Submission:

Labcorp Genetics (formerly Invitae), Labcorp
Classification: Uncertain significance. Last evaluated: 2025-07-13. Review status: criteria provided, single submitter. Criteria: Invitae Variant Classification Sherloc (09022015). Collection method: clinical testing. Allele origin: germline.
Comment: This sequence change replaces leucine, which is neutral and non-polar, with methionine, which is neutral and non-polar, at codon 656 of the EGF protein (p.Leu656Met). This variant is present in population databases (rs188713225, gnomAD 0.02%). This variant has not been reported in the literature in individuals affected with EGF-related conditions. ClinVar contains an entry for this variant (Variation ID: 2419932). An algorithm developed to predict the effect of missense changes on protein structure and function (PolyPhen-2) suggests that this variant is likely to be disruptive. In summary, the available evidence is currently insufficient to determine the role of this variant in disease. Therefore, it has been classified as a Variant of Uncertain Significance.

NM_001963.6(EGF):c.1966T>A (p.Leu656Met)

Gene: EGF (epidermal growth factor; plus strand). Cytogenetic location: 4q25.
Variant type: single nucleotide variant.
Coding change: c.1966T>A on transcript NM_001963.6 (MANE Select); coding-DNA position 1966, T replaced by A.
Protein change: p.Leu656Met; replaces leucine 656 with methionine.
Molecular consequence: missense variant.
Genome position (GRCh38, 1-based): chr4:109,976,148, T>A. VCF-style: chr4-109976148-T-A. GRCh37 (hg19) VCF-style: chr4-110897304-T-A.
Other names: c.1966T>A, p.Leu656Met (NM_001178130.3); c.1840T>A, p.Leu614Met (NM_001178131.3, NM_001357021.2); short protein forms L614M, L656M.
Identifiers: ClinVar variation 2419932 (VCV002419932.6), dbSNP rs188713225, ClinGen allele CA3043840.